The following is an entry in ClinVar:

NM_003872.3(NRP2):c.2394G>A (p.Glu798=)

Gene: NRP2 (neuropilin 2; plus strand). Cytogenetic location: 2q33.3.
Variant type: single nucleotide variant.
Coding change: c.2394G>A on transcript NM_003872.3 (MANE Select); coding-DNA position 2394, G replaced by A.
Protein change: p.Glu798=; no amino-acid change (glutamic acid 798 retained).
Molecular consequence: synonymous variant.
Genome position (GRCh38, 1-based): chr2:205,765,560, G>A. VCF-style: chr2-205765560-G-A. GRCh37 (hg19) VCF-style: chr2-206630284-G-A.
Other names: c.2394G>A, p.Glu798= (NM_018534.4, NM_201266.2, NM_201267.2 and 1 more transcripts).
Identifiers: ClinVar variation 4991122 (VCV004991122.1).
Genomic context (GRCh38, chr2:205,765,560, plus strand): 5'-AGGACGTTCCGGAGAGATTGCCATTGATGACATTCGGATAAGCACTGATGTCCCACTGGA[G>A]AACTGCATGGGTATGTGAATATCTGTCTCTTCATGGTTCTTTCAAATAAGACCCCAAGGG-3'
Protein context (NP_003863.2, residues 788-808): DIRISTDVPL[Glu798=]NCMEPISAFA

ClinVar aggregate classification (germline): Likely benign (1 of 4 stars; one submission).

Conditions:
NRP2-related disorder. Also called: NRP2-related condition.

Submission:

PreventionGenetics, part of Exact Sciences
Classification: Likely benign for NRP2-related condition. Last evaluated: 2025-11-21. Review status: criteria provided, single submitter. Criteria: ACMG Guidelines, 2015. Collection method: clinical testing. Allele origin: germline.
Comment: This variant is classified as likely benign based on ACMG/AMP sequence variant interpretation guidelines (Richards et al. 2015 PMID: 25741868, with internal and published modifications).